The following is an entry in ClinVar:

ClinVar aggregate classification (germline): Uncertain significance (1 of 4 stars; one submission).

Submission:

Labcorp Genetics (formerly Invitae), Labcorp
Classification: Uncertain significance. Last evaluated: 2025-10-20. Review status: criteria provided, single submitter. Criteria: Invitae Variant Classification Sherloc (09022015). Collection method: clinical testing. Allele origin: germline.
Comment: This sequence change replaces histidine, which is basic and polar, with leucine, which is neutral and non-polar, at codon 247 of the GATA5 protein (p.His247Leu). Information on the frequency of this variant in the gnomAD database is not available, as this variant may be reported differently in the database. This variant has not been reported in the literature in individuals affected with GATA5-related conditions. ClinVar contains an entry for this variant (Variation ID: 1349479). An algorithm developed to predict the effect of missense changes on protein structure and function (PolyPhen-2) suggests that this variant is likely to be tolerated. In summary, the available evidence is currently insufficient to determine the role of this variant in disease. Therefore, it has been classified as a Variant of Uncertain Significance.

NM_080473.5(GATA5):c.740_741delinsTA (p.His247Leu)

Gene: GATA5 (GATA binding protein 5; minus strand). Cytogenetic location: 20q13.33.
Variant type: Indel.
Coding change: c.740_741delinsTA on transcript NM_080473.5 (MANE Select); coding-DNA positions 740 to 741, AC replaced by TA.
Protein change: p.His247Leu; replaces histidine 247 with leucine.
Molecular consequence: missense variant.
Genome position (GRCh38, 1-based): chr20:62,466,510-62,466,511, GT replaced by TA on the plus strand (AC replaced by TA on the coding strand, the reverse complement: GATA5 is on the minus strand). VCF-style: chr20-62466510-GT-TA. GRCh37 (hg19) VCF-style: chr20-61041566-GT-TA.
Other names: short protein forms H247L.
Identifiers: ClinVar variation 1349479 (VCV001349479.6), dbSNP rs2146481415, ClinGen allele CA2573157261.